The following is an entry in ClinVar:

NM_001034853.2(RPGR):c.311-1G>A

Gene: RPGR (retinitis pigmentosa GTPase regulator; minus strand). Cytogenetic location: Xp11.4.
Variant type: single nucleotide variant.
Coding change: c.311-1G>A on transcript NM_001034853.2 (MANE Select); the canonical splice acceptor site of the intron before coding-DNA position 311, G replaced by A.
Molecular consequence: splice acceptor variant. On other transcripts: intron variant (1).
Genome position (GRCh38, 1-based): chrX:38,318,988, C>T on the plus strand (G>A on the coding strand, the complement: RPGR is on the minus strand). VCF-style: chrX-38318988-C-T. GRCh37 (hg19) VCF-style: chrX-38178241-C-T.
Other names: c.311-1G>A (NM_000328.2, NM_001367250.1, NM_001367245.1 and 4 more transcripts); c.311-4G>A (NM_001367249.1); c.341-1G>A (NM_001367248.1).
Identifiers: ClinVar variation 2678449 (VCV002678449.7), dbSNP rs1156891581, ClinGen allele CA412745338.
Genomic context (GRCh38, chrX:38,318,988, plus strand): 5'-TGTCACCAAGCCCCAACTGTCCTTCATTATTTCCACCAGTTGCATATACATTGCCTCCTT[C>T]TGCACATGGAAAAGAAAACGTCAATAGACTATAGAGTCCCCCTTTTTATGAGACAGGTCA-3'

ClinVar aggregate classification (germline): Conflicting classifications of pathogenicity. Review status: criteria provided, conflicting classifications (1 of 4 stars). 4 submissions from 4 submitters: Likely pathogenic (3); Uncertain significance (1). Last evaluated 2025-06-23.

Conditions:
RPGR-related disorder. Also called: RPGR-related condition.
Primary ciliary dyskinesia. Also called: Ciliary dyskinesia. Identifiers: Orphanet 244, MedGen C0008780, MONDO:0016575, HP:0012265.
X-linked cone-rod dystrophy 1 (CORDX1). Identifiers: Orphanet 1872, MedGen C1844776, MONDO:0010566, OMIM 304020.

Allele frequency attached by ClinVar (database versions not stated): gnomAD exomes below 0.00001; gnomAD 0.00001; TOPMed 0.00001.
gnomAD v4.1: 4 of 1,210,212 alleles (0.00033%); highest among the groups gnomAD compares: Non-Finnish European, 0.00045%; no homozygotes.

Submissions (4):

Ambry Genetics
Classification: Uncertain significance for Primary ciliary dyskinesia. Last evaluated: 2025-06-23. Review status: criteria provided, single submitter. Criteria: Ambry Variant Classification Scheme 2023. Collection method: clinical testing. Allele origin: germline.
Comment: The c.311-1G>A intronic variant results from a G to A substitution one nucleotide upstream from coding exon 5 of the RPGR gene. Alterations that disrupt the canonical splice site are expected to cause aberrant splicing. In silico splice site analysis predicts that this alteration will weaken the native splice acceptor site. A resulting transcript is predicted to be in-frame and is not expected to trigger nonsense-mediated mRNA decay; although, direct evidence is unavailable. This nucleotide position is highly conserved in available vertebrate species. Based on the available evidence, the clinical significance of this variant remains unclear.

Labcorp Genetics (formerly Invitae), Labcorp
Classification: Likely pathogenic for Primary ciliary dyskinesia. Last evaluated: 2023-12-30. Review status: criteria provided, single submitter. Criteria: Invitae Variant Classification Sherloc (09022015). Collection method: clinical testing. Allele origin: germline.
Comment: This sequence change affects an acceptor splice site in intron 4 of the RPGR gene. It is expected to disrupt RNA splicing. Variants that disrupt the donor or acceptor splice site typically lead to a loss of protein function (PMID: 16199547), and loss-of-function variants in RPGR are known to be pathogenic (PMID: 16055928, 16969763). This variant is not present in population databases (gnomAD no frequency). This variant has not been reported in the literature in individuals affected with RPGR-related conditions. Algorithms developed to predict the effect of sequence changes on RNA splicing suggest that this variant may disrupt the consensus splice site. In summary, the currently available evidence indicates that the variant is pathogenic, but additional data are needed to prove that conclusively. Therefore, this variant has been classified as Likely Pathogenic.

Baylor Genetics
Classification: Likely pathogenic for X-linked cone-rod dystrophy 1. Last evaluated: 2023-11-09. Review status: criteria provided, single submitter. Criteria: ACMG Guidelines, 2015. Collection method: clinical testing. Allele origin: unknown.

Blueprint Genetics
Classification: Likely pathogenic for RPGR-related disorders. Last evaluated: 2022-07-28. Review status: criteria provided, single submitter. Criteria: ACMG Guidelines, 2015. Collection method: clinical testing. Allele origin: germline. Affected: yes. Observed: 3 variant alleles.

Literature cited by the submitters: PubMed 16199547 (cited by Labcorp Genetics (formerly Invitae), Labcorp); PubMed 16055928 (cited by Labcorp Genetics (formerly Invitae), Labcorp); PubMed 16969763 (cited by Labcorp Genetics (formerly Invitae), Labcorp).